The following is an entry in ClinVar:

NM_001374736.1(DST):c.21631A>G (p.Thr7211Ala)

Gene: DST (dystonin; minus strand). Cytogenetic location: 6p12.1.
Variant type: single nucleotide variant.
Coding change: c.21631A>G on transcript NM_001374736.1 (MANE Select); coding-DNA position 21631, A replaced by G.
Protein change: p.Thr7211Ala; replaces threonine 7211 with alanine.
Molecular consequence: missense variant.
Genome position (GRCh38, 1-based): chr6:56,477,389, T>C on the plus strand (A>G on the coding strand, the complement: DST is on the minus strand). VCF-style: chr6-56477389-T-C. GRCh37 (hg19) VCF-style: chr6-56342187-T-C.
Other names: c.15274A>G, p.Thr5092Ala (NM_001144769.5); c.14860A>G, p.Thr4954Ala (NM_001144770.2); c.21631A>G, p.Thr7211Ala (NM_001374722.1); c.20671A>G, p.Thr6891Ala (NM_001374729.1); c.14413A>G, p.Thr4805Ala (NM_001374730.1); c.21658A>G, p.Thr7220Ala (NM_001374734.1); c.13762A>G, p.Thr4588Ala (NM_015548.5); c.14740A>G, p.Thr4914Ala (NM_183380.4); short protein forms T4914A, T4588A, T4954A, T7211A, T7220A, T4805A, T5092A, T6891A.
Identifiers: ClinVar variation 971776 (VCV000971776.8), dbSNP rs2095244412, ClinGen allele CA364511016.

ClinVar aggregate classification (germline): Uncertain significance (1 of 4 stars; one submission).

Conditions:
Epidermolysis bullosa simplex 3, localized or generalized intermediate, with BP230 deficiency (EBS3). Also called: Epidermolysis bullosa simplex, autosomal recessive 2; Epidermolysis bullosa simplex due to BP230 deficiency. Identifiers: Orphanet 412181, MedGen C3809470, MONDO:0014180, OMIM 615425.
Hereditary sensory and autonomic neuropathy type 6. Also called: Neuropathy, hereditary sensory and autonomic, type VI; HSAN VI. Identifiers: Orphanet 314381, MedGen C3539003, MONDO:0013839, OMIM 614653.

Allele frequency attached by ClinVar (database versions not stated): gnomAD exomes below 0.00001; TOPMed 0.00001.
gnomAD v4.1: 1 of 1,613,958 alleles (0.000062%); highest among the groups gnomAD compares: Non-Finnish European, 0.000085%; no homozygotes.

Submission:

Labcorp Genetics (formerly Invitae), Labcorp
Classification: Uncertain significance for Epidermolysis bullosa simplex 3, localized or generalized intermediate, with BP230 deficiency; Hereditary sensory and autonomic neuropathy type 6. Last evaluated: 2019-11-27. Review status: criteria provided, single submitter. Criteria: Invitae Variant Classification Sherloc (09022015). Collection method: clinical testing. Allele origin: germline.
Comment: Algorithms developed to predict the effect of missense changes on protein structure and function are either unavailable or do not agree on the potential impact of this missense change (SIFT: "Tolerated"; PolyPhen-2: "Not Available"; Align-GVGD: "Class C0"). In summary, the available evidence is currently insufficient to determine the role of this variant in disease. Therefore, it has been classified as a Variant of Uncertain Significance. This variant has not been reported in the literature in individuals with DST-related conditions. This variant is not present in population databases (ExAC no frequency). This sequence change replaces threonine with alanine at codon 4588 of the DST protein (p.Thr4588Ala). The threonine residue is moderately conserved and there is a small physicochemical difference between the two amino acids. The DST gene has multiple clinically relevant transcripts. This variant occurs in alternate transcript NM_015548.4, and corresponds to NM_001723.5:c.*138128A>G in the primary transcript.